The following is an entry in ClinVar:

NM_000287.4(PEX6):c.2243C>T (p.Thr748Ile)

Gene: PEX6 (peroxisomal biogenesis factor 6; minus strand). Cytogenetic location: 6p21.1.
Variant type: single nucleotide variant.
Coding change: c.2243C>T on transcript NM_000287.4 (MANE Select); coding-DNA position 2243, C replaced by T.
Protein change: p.Thr748Ile; replaces threonine 748 with isoleucine.
Molecular consequence: missense variant.
Genome position (GRCh38, 1-based): chr6:42,966,299, G>A on the plus strand (C>T on the coding strand, the complement: PEX6 is on the minus strand). VCF-style: chr6-42966299-G-A. GRCh37 (hg19) VCF-style: chr6-42934037-G-A.
Other names: c.1979C>T, p.Thr660Ile (NM_001316313.2); short protein forms T660I, T748I.
Identifiers: ClinVar variation 1434788 (VCV001434788.6), dbSNP rs1769802405, ClinGen allele CA364152216.

ClinVar aggregate classification (germline): Uncertain significance. Review status: criteria provided, multiple submitters, no conflicts (2 of 4 stars). 2 submissions from 2 submitters: Uncertain significance (2). Last evaluated 2022-03-23.

Conditions:
Peroxisome biogenesis disorder. Identifiers: Orphanet 79189, MedGen C1832200, MONDO:0019234. Disease mechanism: loss of function.

Allele frequency attached by ClinVar (database versions not stated): gnomAD 0.00001.

Submissions (2):

Labcorp Genetics (formerly Invitae), Labcorp
Classification: Uncertain significance for Peroxisome biogenesis disorder. Last evaluated: 2022-03-23. Review status: criteria provided, single submitter. Criteria: Invitae Variant Classification Sherloc (09022015). Collection method: clinical testing. Allele origin: germline.
Comment: This sequence change replaces threonine, which is neutral and polar, with isoleucine, which is neutral and non-polar, at codon 748 of the PEX6 protein (p.Thr748Ile). This variant is not present in population databases (gnomAD no frequency). This variant has not been reported in the literature in individuals affected with PEX6-related conditions. Algorithms developed to predict the effect of missense changes on protein structure and function are either unavailable or do not agree on the potential impact of this missense change (SIFT: "Deleterious"; PolyPhen-2: "Probably Damaging"; Align-GVGD: "Class C0"). In summary, the available evidence is currently insufficient to determine the role of this variant in disease. Therefore, it has been classified as a Variant of Uncertain Significance.

Blueprint Genetics
Classification: Uncertain significance. Last evaluated: 2021-02-18. Review status: criteria provided, single submitter. Criteria: ACMG Guidelines, 2015. Collection method: clinical testing. Allele origin: germline.